The following is an entry in ClinVar:

ClinVar aggregate classification (germline): Pathogenic/Likely pathogenic. Review status: no assertion criteria provided (0 of 4 stars). 2 submissions from 2 submitters: Pathogenic (1); Likely pathogenic (1). Last evaluated 2004-04-01.

Conditions:
Imerslund-Grasbeck syndrome. Also called: ENTEROCYTE COBALAMIN MALABSORPTION; ENTEROCYTE INTRINSIC FACTOR RECEPTOR, DEFECT OF; PERNICIOUS ANEMIA, JUVENILE, DUE TO SELECTIVE INTESTINAL MALABSORPTION OF VITAMIN B12, WITH PROTEINURIA; Megaloblastic anemia due to inborn errors of metabolism; Imerslund-Gräsbeck syndrome. Identifiers: Orphanet 35858, MedGen C4551825, MONDO:0009853.
Imerslund-Grasbeck syndrome type 1 (IGS1). Also called: MEGALOBLASTIC ANEMIA, 1; Imerslund-Gräsbeck syndrome 1; Megaloblastic anemia 1, Finnish type. Identifiers: MedGen C4016819, MONDO:0100156, OMIM 261100.

Submissions (2):

OMIM
Classification: Pathogenic for IMERSLUND-GRASBECK SYNDROME 1. Last evaluated: 2004-04-01. Review status: no assertion criteria provided. Collection method: literature only. Allele origin: germline.

Juha Muilu Group; Institute for Molecular Medicine Finland (FIMM)
Classification: Likely pathogenic for Megaloblastic anemia due to inborn errors of metabolism. Review status: no assertion criteria provided. Collection method: not provided. Allele origin: unknown.
Comment: FinDis database variant: This variant was not found or characterized by our laboratory, data were collected from public sources: see reference
ClinVar note: Converted during submission from probable-pathogenic to Likely pathogenic.

Literature cited by the submitters: PubMed 10080186 (cited by OMIM); PubMed 15024727 (cited by OMIM).

NM_001081.4(CUBN):c.3330-439C>G

Gene: CUBN (cubilin; minus strand). Cytogenetic location: 10p13.
Variant type: single nucleotide variant.
Coding change: c.3330-439C>G on transcript NM_001081.4 (MANE Select); 439 bases into the intron before coding-DNA position 3330, C replaced by G.
Molecular consequence: intron variant.
Genome position (GRCh38, 1-based): chr10:17,046,533, G>C on the plus strand (C>G on the coding strand, the complement: CUBN is on the minus strand). VCF-style: chr10-17046533-G-C. GRCh37 (hg19) VCF-style: chr10-17088532-G-C.
Other names: IVS6, C-G.
Identifiers: ClinVar variation 56802 (VCV000056802.4), dbSNP rs386833782, ClinGen allele CA144509.
Genomic context (GRCh38, chr10:17,046,533, plus strand): 5'-AACGTTTTCCTTCTGATTTGGAAATTTTTGAAATGTAATATATCATATTTGATATACTTA[G>C]CAAAATTCTGGAAATAGCATTTTCCTAAAAACTTCTGGGGCCTTAATTCTAGTTTATAAT-3'